The following continues an entry in ClinVar:

NM_000518.5(HBB):c.92+1G>T

ClinVar aggregate classification (germline): Pathogenic. Pathogenic (17).

Submissions 10 to 21 of 21:

Women's Health and Genetics/Laboratory Corporation of America, LabCorp
Classification: Pathogenic for beta Thalassemia. Last evaluated: 2022-04-05. Review status: criteria provided, single submitter. Criteria: LabCorp Variant Classification Summary - May 2015. Collection method: clinical testing. Allele origin: germline.
Comment: Variant summary: HBB c.92+1G>T is located in a canonical splice-site and is predicted to affect mRNA splicing resulting in a significantly altered protein due to either exon skipping, shortening, or inclusion of intronic material. The variant allele was found at a frequency of 7.2e-05 in 251366 control chromosomes. This frequency is not significantly higher than expected for a pathogenic variant in HBB causing Beta Thalassemia (7.2e-05 vs 0.011), allowing no conclusion about variant significance. c.92+1G>T has been reported in the literature in numerous individuals affected with Beta Thalassemia. These data indicate that the variant is very likely to be associated with disease. Eight clinical diagnostic laboratories have submitted clinical-significance assessments for this variant to ClinVar after 2014 without evidence for independent evaluation. All laboratories classified the variant as pathogenic. Based on the evidence outlined above, the variant was classified as pathogenic.

GeneDx
Classification: Pathogenic. Last evaluated: 2021-11-03. Review status: criteria provided, single submitter. Criteria: GeneDx Variant Classification Process June 2021. Collection method: clinical testing. Allele origin: germline. Affected: yes.
Comment: Reported previously in association with beta-thalassemia (Kazazian et al., 1984; Varawalla et al., 1991; Yasmeen et al., 2016); Canonical splice site variant in a gene for which loss-of-function is a known mechanism of disease; This variant is associated with the following publications: (PMID: 8199027, 16044458, 10975438, 2064964, 26865073, 26715484, 26554253, 22975760, 25525159, 10870879, 9225979, 18294253, 26291967, 12885342, 19090545, 18759082, 19000664, 19843386, 19254853, 28635337, 6714226, 27263053, 30275481, 9629495, 31890591, 9163586, 8012089)

Baylor Genetics
Classification: Pathogenic for Hb SS disease. Last evaluated: 2021-01-20. Review status: criteria provided, single submitter. Criteria: ACMG Guidelines, 2015. Collection method: clinical testing. Allele origin: unknown.

Eurofins Ntd Llc (ga)
Classification: Pathogenic. Last evaluated: 2018-05-23. Review status: criteria provided, single submitter. Criteria: EGL ClinVar v180209 classification definitions. Collection method: clinical testing. Allele origin: germline. Observed: 1 variant allele, 1 heterozygote.

Blueprint Genetics
Classification: Pathogenic for HBB-related disorders. Last evaluated: 2017-12-07. Review status: criteria provided, single submitter. Criteria: ACMG Guidelines, 2015. Collection method: clinical testing. Allele origin: germline. Affected: yes. Observed: 3 variant alleles.

Ambry Genetics
Classification: Pathogenic for Inborn genetic diseases. Last evaluated: 2017-08-09. Review status: criteria provided, single submitter. Criteria: Ambry Variant Classification Scheme 2023. Collection method: clinical testing. Allele origin: germline.
Comment: The c.92+1G>T intronic pathogenic mutation results from a G to T substitution one nucleotide after coding exon 1 of the HBB gene. This mutation was reported in an infant with beta thalassemia major in conjunction with a second HBB alteration (Garewal G et al. Am. J. Hematol., 2005 Aug;79:252-6). This mutation is a common cause of beta thalassenia and results in beta-zero thalassemia (Chan OT et al. Am. J. Clin. Pathol., 2010 May;133:700-7; Sivalingam M et al. Int J Lab Hematol, 2012 Aug;34:377-82). In addition to the clinical data presented in the literature, alterations that disrupt the canonical splice site are expected to cause aberrant splicing, resulting in an abnormal protein or a transcript that is subject to nonsense-mediated mRNA decay. As such, this alteration is classified as a disease-causing mutation.

Quest Diagnostics Nichols Institute San Juan Capistrano
Classification: Pathogenic. Last evaluated: 2017-07-10. Review status: criteria provided, single submitter. Criteria: Quest Diagnostics criteria. Collection method: clinical testing. Allele origin: germline.

Juno Genomics, Hangzhou Juno Genomics, Inc
Classification: Pathogenic for Beta-thalassemia HBB/LCRB. Review status: criteria provided, single submitter. Criteria: ACMG Guidelines, 2015. Collection method: clinical testing. Allele origin: germline.
Comment: Absent from controls (or at extremely low frequency if recessive) in Genome Aggregation Database.;Null variant in a gene where loss of function (LOF) is a known mechanism of disease.;For recessive disorders, detected in trans with a pathogenic variant.

MOLECULAR BIOLOGY AND HUMAN GENETICS DIVISION, THE UNIVERSITY OF BURDWAN
Classification: Pathogenic for Beta-thalassemia HBB/LCRB. Last evaluated: 2024-05-07. Review status: no assertion criteria provided. Collection method: clinical testing. Allele origin: germline. Affected: yes. Observed: 1 variant allele. Not counted in ClinVar's aggregate classification.
Comment: The variant HBB:c.92+1G>Tis beta0 type of mutation.The variant introduce a premature termination codon. When this variant present with other pathogenic HBB mutation leads to severe type of thalassemia. Patients needing blood transfusion, often presented with hepatosplenomegaly, Iron overload. The frequency of the variant among thalassemia patient in Eastern India is 0.09 % as per our multicentric project - A Genetic Diagnostic Algorithm Based Study for Thalassemia in Northern and Eastern Indian Populations, Funded by Dept. of Biotechnology , Govt of India [Project No. BT/PR26461/MED/12/821/2018]

The ITHANET community portal, The Cyprus Institute of Neurology and Genetics
Classification: Pathogenic for beta Thalassemia. Last evaluated: 2019-11-25. Review status: no assertion criteria provided. Collection method: curation. Allele origin: germline. Not counted in ClinVar's aggregate classification.

OMIM
Classification: Pathogenic for BETA-ZERO-THALASSEMIA. Last evaluated: 2017-02-27. Review status: no assertion criteria provided. Collection method: literature only. Allele origin: germline. Not counted in ClinVar's aggregate classification.

Counsyl
Classification: Likely pathogenic for beta Thalassemia. Last evaluated: 2014-12-18. Review status: no assertion criteria provided. Collection method: literature only. Allele origin: unknown. Inheritance: Autosomal recessive inheritance. Not counted in ClinVar's aggregate classification.

Literature cited by the submitters: PubMed 16199547 (cited by Labcorp Genetics (formerly Invitae), Labcorp); PubMed 23637309 (cited by Labcorp Genetics (formerly Invitae), Labcorp); PubMed 9450794 (cited by 4 submitters); PubMed 22335963 (cited by 4 submitters); PubMed 25849334 (cited by Labcorp Genetics (formerly Invitae), Labcorp); PubMed 27263053 (cited by 3 submitters); PubMed 29695942 (cited by Labcorp Genetics (formerly Invitae), Labcorp); PubMed 31788855 (cited by Victorian Clinical Genetics Services, Murdoch Childrens Research Institute); PubMed 29700171 (cited by Victorian Clinical Genetics Services, Murdoch Childrens Research Institute); PubMed 20301599 (cited by Victorian Clinical Genetics Services, Murdoch Childrens Research Institute); PubMed 6714226 (cited by 7 submitters); PubMed 25976460 (cited by 3 submitters); PubMed 28635337 (cited by Eurofins Ntd Llc (ga)); PubMed 16044458 (cited by Ambry Genetics and Counsyl); PubMed 20395516 (cited by Ambry Genetics); PubMed 18294253 (cited by Quest Diagnostics Nichols Institute San Juan Capistrano and Counsyl); PubMed 26554253 (cited by Quest Diagnostics Nichols Institute San Juan Capistrano); Kazazian, H. H., Jr. Personal Communication. 1982. Baltimore, Md. (cited by OMIM); PubMed 8199027 (cited by Counsyl).